The following is an entry in ClinVar:

NM_001278716.2(FBXL4):c.485A>C (p.Tyr162Ser)

Gene: FBXL4 (F-box and leucine rich repeat protein 4; minus strand). Cytogenetic location: 6q16.2.
Variant type: single nucleotide variant.
Coding change: c.485A>C on transcript NM_001278716.2 (MANE Select); coding-DNA position 485, A replaced by C.
Protein change: p.Tyr162Ser; replaces tyrosine 162 with serine.
Molecular consequence: missense variant. On other transcripts: non-coding transcript variant (2).
Genome position (GRCh38, 1-based): chr6:98,926,504, T>G on the plus strand (A>C on the coding strand, the complement: FBXL4 is on the minus strand). VCF-style: chr6-98926504-T-G. GRCh37 (hg19) VCF-style: chr6-99374380-T-G.
Other names: c.485A>C, p.Tyr162Ser (NM_012160.5); short protein forms Y162S.
Identifiers: ClinVar variation 1702828 (VCV001702828.3), dbSNP rs1772783565, ClinGen allele CA365088386.

ClinVar aggregate classification (germline): Uncertain significance (1 of 4 stars; one submission).

Submission:

GeneDx
Classification: Uncertain significance. Last evaluated: 2025-06-12. Review status: criteria provided, single submitter. Criteria: GeneDx Variant Classification Process June 2021. Collection method: clinical testing. Allele origin: germline.
Comment: Not observed at significant frequency in large population cohorts (gnomAD); In silico analysis suggests that this missense variant does not alter protein structure/function; Has not been previously published as pathogenic or benign to our knowledge